The following is an entry in ClinVar:

NM_000459.5(TEK):c.2880T>C (p.Phe960=)

Gene: TEK (TEK receptor tyrosine kinase; plus strand). Cytogenetic location: 9p21.2.
Variant type: single nucleotide variant.
Coding change: c.2880T>C on transcript NM_000459.5 (MANE Select); coding-DNA position 2880, T replaced by C.
Protein change: p.Phe960=; no amino-acid change (phenylalanine 960 retained).
Molecular consequence: synonymous variant.
Genome position (GRCh38, 1-based): chr9:27,213,486, T>C. VCF-style: chr9-27213486-T-C. GRCh37 (hg19) VCF-style: chr9-27213484-T-C.
Other names: c.2751T>C, p.Phe917= (NM_001290077.2); c.2436T>C, p.Phe812= (NM_001290078.2); c.2877T>C, p.Phe959= (NM_001375475.1); c.2748T>C, p.Phe916= (NM_001375476.1).
Identifiers: ClinVar variation 440329 (VCV000440329.8), dbSNP rs1554701677, ClinGen allele CA464170224.

ClinVar aggregate classification (germline): Likely benign (1 of 4 stars; one submission).

Submission:

ARUP Laboratories, Molecular Genetics and Genomics, ARUP Laboratories
Classification: Likely benign. Last evaluated: 2017-05-05. Review status: criteria provided, single submitter. Criteria: ARUP Molecular Germline Variant Investigation Process. Collection method: clinical testing. Allele origin: germline.
Comment: The c.2880T>C variant has not been previously associated with any vascular malformation disorder. This variant is rare in the general population, and is absent from population databases such as 1000 Genomes, the NHLBI GO Exome Sequencing Project (ESP), and the Genome Aggregation Database (gnomAD) browser. However, this variant affects a moderately conserved nucleotide (Alamut software v 2.9), does not alter the amino acid sequence of TEK protein, and is not predicted to alter TEK mRNA splicing (Alamut software v 2.9). Therefore, the c.2880T>C variant is likely to be benign.